The following is an entry in ClinVar:

NM_003000.3(SDHB):c.541-5T>C

Gene: SDHB (succinate dehydrogenase complex iron sulfur subunit B; minus strand). Cytogenetic location: 1p36.13.
Variant type: single nucleotide variant.
Coding change: c.541-5T>C on transcript NM_003000.3 (MANE Select); 5 bases into the intron before coding-DNA position 541, T replaced by C.
Molecular consequence: intron variant.
Genome position (GRCh38, 1-based): chr1:17,024,079, A>G on the plus strand (T>C on the coding strand, the complement: SDHB is on the minus strand). VCF-style: chr1-17024079-A-G. GRCh37 (hg19) VCF-style: chr1-17350574-A-G.
Identifiers: ClinVar variation 1144371 (VCV001144371.11), dbSNP rs2101516704, ClinGen allele CA2499214297.

ClinVar aggregate classification (germline): Likely benign. Review status: criteria provided, multiple submitters, no conflicts (2 of 4 stars). 4 submissions from 4 submitters: Likely benign (4). Last evaluated 2025-07-19.

Conditions:
Hereditary pheochromocytoma and paraganglioma. Also called: Hereditary pheochromocytoma-paraganglioma; Hereditary Paraganglioma-Pheochromocytoma Syndromes; Hereditary paragangliomas and pheochromocytomas. Identifiers: Orphanet 29072, MedGen C4274332, MONDO:0017366.
Pheochromocytoma. Also called: MAX-Related Hereditary Paraganglioma-Pheochromocytoma Syndrome. Identifiers: Orphanet 29072, MedGen C0031511, MONDO:0008233, OMIM 171300, HP:0002666.
Pheochromocytoma/paraganglioma syndrome 4. Also called: CAROTID BODY TUMORS AND MULTIPLE EXTRAADRENAL PHEOCHROMOCYTOMAS; PARAGANGLIOMA, FAMILIAL MALIGNANT; PARAGANGLIOMAS, HEREDITARY EXTRAADRENAL; PHEOCHROMOCYTOMA, FAMILIAL EXTRAADRENAL; Paragangliomas 4; SDHB-Related Hereditary Paraganglioma-Pheochromocytoma Syndrome (Paragangliomas 4). Identifiers: Orphanet 29072, MedGen C1861848, MONDO:0007273, OMIM 115310.
Gastrointestinal stromal tumor. Also called: Gastrointestinal stroma tumor; Gastrointestinal stromal tumor, somatic. Identifiers: Orphanet 44890, MedGen C0238198, MeSH D046152, MONDO:0011719, OMIM 606764, HP:0100723.
Hereditary cancer-predisposing syndrome. Also called: Tumor predisposition; Hereditary Cancer Syndrome; Hereditary neoplastic syndrome; Neoplastic Syndromes, Hereditary. Identifiers: Orphanet 140162, MedGen C0027672, MeSH D009386, MONDO:0015356.

Allele frequency attached by ClinVar (database versions not stated): gnomAD exomes below 0.00001.

Submissions (4):

Labcorp Genetics (formerly Invitae), Labcorp
Classification: Likely benign for Gastrointestinal stromal tumor; Pheochromocytoma/paraganglioma syndrome 4; Pheochromocytoma. Last evaluated: 2025-07-19. Review status: criteria provided, single submitter. Criteria: Invitae Variant Classification Sherloc (09022015). Collection method: clinical testing. Allele origin: germline.

Myriad Genetics, Inc.
Classification: Likely benign for Pheochromocytoma/paraganglioma syndrome 4. Last evaluated: 2025-03-13. Review status: criteria provided, single submitter. Criteria: Myriad Autosomal Dominant, Autosomal Recessive and X-Linked Classification Criteria (2023). Collection method: clinical testing. Allele origin: unknown.
Comment: This variant is considered likely benign. This variant is intronic and is not expected to impact mRNA splicing.

All of Us Research Program, National Institutes of Health
Classification: Likely benign for Hereditary pheochromocytoma and paraganglioma. Last evaluated: 2023-04-28. Review status: criteria provided, single submitter. Criteria: ACMG Guidelines, 2015. Collection method: clinical testing. Allele origin: germline. Inheritance: Autosomal dominant inheritance. Observed: 1 variant allele, 1 heterozygote.
Comment: This study involves interpretation of variants in research participants for the purpose of population health screening. Participant phenotype was not available at the time of variant classification. Additional details can be found in publication PMID: 35346344, PMCID: PMC8962531

Ambry Genetics
Classification: Likely benign for Hereditary cancer-predisposing syndrome. Last evaluated: 2020-02-05. Review status: criteria provided, single submitter. Criteria: Ambry Variant Classification Scheme 2023. Collection method: clinical testing. Allele origin: germline.